The following is an entry in ClinVar:

NM_017999.5(RNF31):c.2866G>C (p.Glu956Gln)

Gene: RNF31 (ring finger protein 31; plus strand). Cytogenetic location: 14q12.
Variant type: single nucleotide variant.
Coding change: c.2866G>C on transcript NM_017999.5 (MANE Select); coding-DNA position 2866, G replaced by C.
Protein change: p.Glu956Gln; replaces glutamic acid 956 with glutamine.
Molecular consequence: missense variant.
Genome position (GRCh38, 1-based): chr14:24,158,166, G>C. VCF-style: chr14-24158166-G-C. GRCh37 (hg19) VCF-style: chr14-24627375-G-C.
Other names: c.2413G>C, p.Glu805Gln (NM_001310332.2); short protein forms E805Q, E956Q.
Identifiers: ClinVar variation 1957689 (VCV001957689.5), dbSNP rs765136796, ClinGen allele CA389307310.
Genomic context (GRCh38, chr14:24,158,166, plus strand): 5'-AGGGGAATGTAACACCCATCTGTCTCTCCTCCTCAGGACAATAACGTCATGTTTAATACA[G>C]AGCCTCCAGCTGGGGCCCGGGCAGTCCCTGGAGGTGAGTGTTAGGACAAGCCTTTGAGAA-3'
Protein context (NP_060469.4, residues 946-966): LQDNNVMFNT[Glu956Gln]PPAGARAVPG

ClinVar aggregate classification (germline): Uncertain significance (1 of 4 stars; one submission).

Allele frequency attached by ClinVar (database versions not stated): TOPMed below 0.00001; gnomAD 0.00001.
gnomAD v4.1: 2 of 1,614,132 alleles (0.00012%); highest among the groups gnomAD compares: African/African-American, 0.0027%; no homozygotes.

Submission:

Labcorp Genetics (formerly Invitae), Labcorp
Classification: Uncertain significance. Last evaluated: 2026-01-06. Review status: criteria provided, single submitter. Criteria: Invitae Variant Classification Sherloc (09022015). Collection method: clinical testing. Allele origin: germline.
Comment: This sequence change replaces glutamic acid, which is acidic and polar, with glutamine, which is neutral and polar, at codon 956 of the RNF31 protein (p.Glu956Gln). This variant is present in population databases (no rsID available, gnomAD 0.01%). This variant has not been reported in the literature in individuals affected with RNF31-related conditions. ClinVar contains an entry for this variant (Variation ID: 1957689). An algorithm developed to predict the effect of missense changes on protein structure and function (PolyPhen-2) suggests that this variant is likely to be disruptive. In summary, the available evidence is currently insufficient to determine the role of this variant in disease. Therefore, it has been classified as a Variant of Uncertain Significance.